The following is an entry in ClinVar:

ClinVar aggregate classification (germline): Uncertain significance. Review status: criteria provided, multiple submitters, no conflicts (2 of 4 stars). 2 submissions from 2 submitters: Uncertain significance (2). Last evaluated 2023-03-03.

Allele frequency attached by ClinVar (database versions not stated): gnomAD 0.00003; TOPMed 0.00003.
gnomAD v4.1: 12 of 1,614,094 alleles (0.00074%); highest among the groups gnomAD compares: African/African-American, 0.015%; no homozygotes.

Submissions (2):

GeneDx
Classification: Uncertain significance. Last evaluated: 2023-03-03. Review status: criteria provided, single submitter. Criteria: GeneDx Variant Classification Process June 2021. Collection method: clinical testing. Allele origin: germline. Affected: yes.
Comment: Not observed at significant frequency in large population cohorts (gnomAD); In silico analysis supports that this missense variant has a deleterious effect on protein structure/function; Has not been previously published as pathogenic or benign to our knowledge

Labcorp Genetics (formerly Invitae), Labcorp
Classification: Uncertain significance. Last evaluated: 2021-11-13. Review status: criteria provided, single submitter. Criteria: Invitae Variant Classification Sherloc (09022015). Collection method: clinical testing. Allele origin: germline.
Comment: This variant is present in population databases (no rsID available, gnomAD 0.01%). In summary, the available evidence is currently insufficient to determine the role of this variant in disease. Therefore, it has been classified as a Variant of Uncertain Significance. Algorithms developed to predict the effect of missense changes on protein structure and function (SIFT, PolyPhen-2, Align-GVGD) all suggest that this variant is likely to be disruptive. This variant has not been reported in the literature in individuals affected with PIGV-related conditions. This sequence change replaces leucine, which is neutral and non-polar, with glutamine, which is neutral and polar, at codon 329 of the PIGV protein (p.Leu329Gln).

NM_017837.4(PIGV):c.986T>A (p.Leu329Gln)

Gene: PIGV (phosphatidylinositol glycan anchor biosynthesis class V; plus strand). Cytogenetic location: 1p36.11.
Variant type: single nucleotide variant.
Coding change: c.986T>A on transcript NM_017837.4 (MANE Select); coding-DNA position 986, T replaced by A.
Protein change: p.Leu329Gln; replaces leucine 329 with glutamine.
Molecular consequence: missense variant. On other transcripts: non-coding transcript variant (1), intron variant (1).
Genome position (GRCh38, 1-based): chr1:26,795,020, T>A. VCF-style: chr1-26795020-T-A. GRCh37 (hg19) VCF-style: chr1-27121511-T-A.
Other names: c.986T>A (NM_017837.3); c.986T>A, p.Leu329Gln (NM_001202554.2, NM_001374478.1, NM_001374480.1 and 2 more transcripts); c.605T>A, p.Leu202Gln (NM_001374483.1); c.359T>A, p.Leu120Gln (NM_001374484.1, NM_001374485.1); c.79-2543T>A (NM_001374486.1); short protein forms L120Q, L202Q, L329Q.
Identifiers: ClinVar variation 1402315 (VCV001402315.7), dbSNP rs997028891, ClinGen allele CA19834470.